The following is an entry in ClinVar:

NM_001382.4(DPAGT1):c.1142T>C (p.Leu381Ser)

Gene: DPAGT1 (dolichyl-phosphate N-acetylglucosaminephosphotransferase 1; minus strand). Cytogenetic location: 11q23.3.
Variant type: single nucleotide variant.
Coding change: c.1142T>C on transcript NM_001382.4 (MANE Select); coding-DNA position 1142, T replaced by C.
Protein change: p.Leu381Ser; replaces leucine 381 with serine.
Molecular consequence: missense variant.
Genome position (GRCh38, 1-based): chr11:119,097,161, A>G on the plus strand (T>C on the coding strand, the complement: DPAGT1 is on the minus strand). VCF-style: chr11-119097161-A-G. GRCh37 (hg19) VCF-style: chr11-118967871-A-G.
Other names: short protein forms L381S.
Identifiers: ClinVar variation 1463034 (VCV001463034.6), dbSNP rs2134897889, ClinGen allele CA382907981.

ClinVar aggregate classification (germline): Uncertain significance (1 of 4 stars; one submission).

Conditions:
Congenital myasthenic syndrome 13 (CMS13). Also called: Myasthenic syndrome, congenital, with tubular aggregates 2; Myasthenic syndrome, congenital, 13, with tubular aggregates. Identifiers: Orphanet 353327, Orphanet 590, MedGen C3553645, MONDO:0013883, OMIM 614750.
DPAGT1-congenital disorder of glycosylation. Also called: DPAGT1-CDG; CONGENITAL DISORDER OF GLYCOSYLATION, TYPE Ij; CDG Ij. Identifiers: Orphanet 86309, MedGen C2931004, MONDO:0011964, OMIM 608093.

Submission:

Labcorp Genetics (formerly Invitae), Labcorp
Classification: Uncertain significance for Congenital myasthenic syndrome 13; DPAGT1-congenital disorder of glycosylation. Last evaluated: 2021-07-22. Review status: criteria provided, single submitter. Criteria: Invitae Variant Classification Sherloc (09022015). Collection method: clinical testing. Allele origin: germline.
Comment: In summary, the available evidence is currently insufficient to determine the role of this variant in disease. Therefore, it has been classified as a Variant of Uncertain Significance. Algorithms developed to predict the effect of missense changes on protein structure and function (SIFT, PolyPhen-2, Align-GVGD) all suggest that this variant is likely to be tolerated. This variant has not been reported in the literature in individuals affected with DPAGT1-related conditions. This variant is not present in population databases (ExAC no frequency). This sequence change replaces leucine with serine at codon 381 of the DPAGT1 protein (p.Leu381Ser). The leucine residue is moderately conserved and there is a large physicochemical difference between leucine and serine.